The following is an entry in ClinVar:

NM_000143.4(FH):c.629G>A (p.Gly210Glu)

Gene: FH (fumarate hydratase; minus strand). Cytogenetic location: 1q43.
Variant type: single nucleotide variant.
Coding change: c.629G>A on transcript NM_000143.4 (MANE Select); coding-DNA position 629, G replaced by A.
Protein change: p.Gly210Glu; replaces glycine 210 with glutamic acid.
Molecular consequence: missense variant.
Genome position (GRCh38, 1-based): chr1:241,508,712, C>T on the plus strand (G>A on the coding strand, the complement: FH is on the minus strand). VCF-style: chr1-241508712-C-T. GRCh37 (hg19) VCF-style: chr1-241672012-C-T.
Other names: short protein forms G210E.
Identifiers: ClinVar variation 4642214 (VCV004642214.1).

ClinVar aggregate classification (germline): Uncertain significance (1 of 4 stars; one submission).

Conditions:
Hereditary cancer-predisposing syndrome. Also called: Neoplastic Syndromes, Hereditary; Tumor predisposition; Hereditary Cancer Syndrome; Hereditary neoplastic syndrome. Identifiers: Orphanet 140162, MedGen C0027672, MeSH D009386, MONDO:0015356.

gnomAD v4.1: 1 of 1,612,722 alleles (0.000062%); highest among the groups gnomAD compares: Non-Finnish European, 0.000085%; no homozygotes.

Submission:

Ambry Genetics
Classification: Uncertain significance for Hereditary cancer-predisposing syndrome. Last evaluated: 2025-12-03. Review status: criteria provided, single submitter. Criteria: Ambry Variant Classification Scheme 2023. Collection method: clinical testing. Allele origin: germline.
Comment: The p.G210E variant (also known as c.629G>A), located in coding exon 5 of the FH gene, results from a G to A substitution at nucleotide position 629. The glycine at codon 210 is replaced by glutamic acid, an amino acid with similar properties. This amino acid position is highly conserved in available vertebrate species. In addition, this alteration is predicted to be deleterious by in silico analysis. Based on the available evidence, the clinical significance of this variant remains unclear.